The following is an entry in ClinVar:

NM_138295.5(PKD1L1):c.932G>A (p.Arg311His)

Gene: PKD1L1 (polycystin 1 like 1, transient receptor potential channel interacting; minus strand). Cytogenetic location: 7p12.3.
Variant type: single nucleotide variant.
Coding change: c.932G>A on transcript NM_138295.5 (MANE Select); coding-DNA position 932, G replaced by A.
Protein change: p.Arg311His; replaces arginine 311 with histidine.
Molecular consequence: missense variant.
Genome position (GRCh38, 1-based): chr7:47,929,332, C>T on the plus strand (G>A on the coding strand, the complement: PKD1L1 is on the minus strand). VCF-style: chr7-47929332-C-T. GRCh37 (hg19) VCF-style: chr7-47968929-C-T.
Other names: short protein forms R311H.
Identifiers: ClinVar variation 4743262 (VCV004743262.1).

ClinVar aggregate classification (germline): Uncertain significance (1 of 4 stars; one submission).

gnomAD v4.1: 78 of 1,614,148 alleles (0.0048%); highest among the groups gnomAD compares: South Asian, 0.022%; no homozygotes.

Submission:

Labcorp Genetics (formerly Invitae), Labcorp
Classification: Uncertain significance. Last evaluated: 2025-12-15. Review status: criteria provided, single submitter. Criteria: Invitae Variant Classification Sherloc (09022015). Collection method: clinical testing. Allele origin: germline.
Comment: This sequence change replaces arginine, which is basic and polar, with histidine, which is basic and polar, at codon 311 of the PKD1L1 protein (p.Arg311His). This variant is present in population databases (rs571084843, gnomAD 0.02%). This variant has not been reported in the literature in individuals affected with PKD1L1-related conditions. An algorithm developed to predict the effect of missense changes on protein structure and function outputs the following: PolyPhen-2: "Benign". The histidine amino acid residue is found in multiple mammalian species, which suggests that this missense change does not adversely affect protein function. In summary, the available evidence is currently insufficient to determine the role of this variant in disease. Therefore, it has been classified as a Variant of Uncertain Significance.